The following is an entry in ClinVar:

ClinVar aggregate classification (germline): Uncertain significance (1 of 4 stars; one submission).

Allele frequency attached by ClinVar (database versions not stated): gnomAD exomes below 0.00001; TOPMed below 0.00001.

Submission:

Mayo Clinic Laboratories, Mayo Clinic
Classification: Uncertain significance. Last evaluated: 2022-12-29. Review status: criteria provided, single submitter. Criteria: ACMG Guidelines, 2015. Collection method: clinical testing. Allele origin: germline. Observed: 1 variant allele.
Comment: PM2

NM_000466.3(PEX1):c.1472A>C (p.Glu491Ala)

Gene: PEX1 (peroxisomal biogenesis factor 1; minus strand). Cytogenetic location: 7q21.2.
Variant type: single nucleotide variant.
Coding change: c.1472A>C on transcript NM_000466.3 (MANE Select); coding-DNA position 1472, A replaced by C.
Protein change: p.Glu491Ala; replaces glutamic acid 491 with alanine.
Molecular consequence: missense variant.
Genome position (GRCh38, 1-based): chr7:92,511,591, T>G on the plus strand (A>C on the coding strand, the complement: PEX1 is on the minus strand). VCF-style: chr7-92511591-T-G. GRCh37 (hg19) VCF-style: chr7-92140905-T-G.
Other names: p.Glu491Ala; c.1472A>C, p.Glu491Ala (NM_001282677.2); c.848A>C, p.Glu283Ala (NM_001282678.2); short protein forms E283A, E491A.
Identifiers: ClinVar variation 2682982 (VCV002682982.1), dbSNP rs1415919557, ClinGen allele CA368190595.